The following is an entry in ClinVar:

ClinVar aggregate classification (germline): Uncertain significance. Review status: criteria provided, multiple submitters, no conflicts (2 of 4 stars). 2 submissions from 2 submitters: Uncertain significance (2). Last evaluated 2023-01-12.

Conditions:
Legius syndrome. Identifiers: Orphanet 137605, MedGen C1969623, MONDO:0012669, OMIM 611431. Disease mechanism: loss of function.
Cardiovascular phenotype. Identifiers: MedGen CN230736.

Submissions (2):

Ambry Genetics
Classification: Uncertain significance for Cardiovascular phenotype. Last evaluated: 2023-01-12. Review status: criteria provided, single submitter. Criteria: Ambry Variant Classification Scheme 2023. Collection method: clinical testing. Allele origin: germline.
Comment: The p.L39V variant (also known as c.115C>G), located in coding exon 2 of the SPRED1 gene, results from a C to G substitution at nucleotide position 115. The leucine at codon 39 is replaced by valine, an amino acid with highly similar properties. This amino acid position is conserved. In addition, this alteration is predicted to be deleterious by in silico analysis. Since supporting evidence is limited at this time, the clinical significance of this alteration remains unclear.

Labcorp Genetics (formerly Invitae), Labcorp
Classification: Uncertain significance for Legius syndrome. Last evaluated: 2022-03-09. Review status: criteria provided, single submitter. Criteria: Invitae Variant Classification Sherloc (09022015). Collection method: clinical testing. Allele origin: germline.
Comment: In summary, the available evidence is currently insufficient to determine the role of this variant in disease. Therefore, it has been classified as a Variant of Uncertain Significance. Algorithms developed to predict the effect of sequence changes on RNA splicing suggest that this variant may create or strengthen a splice site. Algorithms developed to predict the effect of missense changes on protein structure and function (SIFT, PolyPhen-2, Align-GVGD) all suggest that this variant is likely to be disruptive. ClinVar contains an entry for this variant (Variation ID: 468789). This variant has not been reported in the literature in individuals affected with SPRED1-related conditions. This variant is not present in population databases (gnomAD no frequency). This sequence change replaces leucine, which is neutral and non-polar, with valine, which is neutral and non-polar, at codon 39 of the SPRED1 protein (p.Leu39Val).

NM_152594.3(SPRED1):c.115C>G (p.Leu39Val)

Gene: SPRED1 (sprouty related EVH1 domain containing 1; plus strand). Cytogenetic location: 15q14.
Variant type: single nucleotide variant.
Coding change: c.115C>G on transcript NM_152594.3 (MANE Select); coding-DNA position 115, C replaced by G.
Protein change: p.Leu39Val; replaces leucine 39 with valine.
Molecular consequence: missense variant.
Genome position (GRCh38, 1-based): chr15:38,299,455, C>G. VCF-style: chr15-38299455-C-G. GRCh37 (hg19) VCF-style: chr15-38591656-C-G.
Other names: short protein forms L39V.
Identifiers: ClinVar variation 468789 (VCV000468789.11), dbSNP rs1555389691, ClinGen allele CA391934127.
Genomic context (GRCh38, chr15:38,299,455, plus strand): 5'-GCTGTGGTGATGACCCGAGATGACTCAAGTGGTGGATGGTTACCACTTGGAGGGAGTGGA[C>G]TAAGCAGCGTCACTGTCTTCAAAGTCCCTCATCAGGAAGAGAATGGCTGTGCTGACTTTT-3'
Protein context (NP_689807.1, residues 29-49): GGWLPLGGSG[Leu39Val]SSVTVFKVPH